The following is an entry in ClinVar:

ClinVar aggregate classification (germline): Uncertain significance (1 of 4 stars; one submission).

Submission:

GeneDx
Classification: Uncertain significance. Last evaluated: 2023-07-03. Review status: criteria provided, single submitter. Criteria: GeneDx Variant Classification Process June 2021. Collection method: clinical testing. Allele origin: germline. Affected: yes.
Comment: Not observed at significant frequency in large population cohorts (gnomAD); In silico analysis supports that this missense variant does not alter protein structure/function; Has not been previously published as pathogenic or benign to our knowledge

NM_001037333.3(CYFIP2):c.1327A>G (p.Thr443Ala)

Gene: CYFIP2 (cytoplasmic FMR1 interacting protein 2; plus strand). Cytogenetic location: 5q33.3.
Variant type: single nucleotide variant.
Coding change: c.1327A>G on transcript NM_001037333.3 (MANE Select); coding-DNA position 1327, A replaced by G.
Protein change: p.Thr443Ala; replaces threonine 443 with alanine.
Molecular consequence: missense variant.
Genome position (GRCh38, 1-based): chr5:157,315,065, A>G. VCF-style: chr5-157315065-A-G. GRCh37 (hg19) VCF-style: chr5-156742073-A-G.
Other names: c.1249A>G, p.Thr417Ala (NM_001291721.2); c.1327A>G, p.Thr443Ala (NM_001291722.2, NM_014376.4); short protein forms T417A, T443A.
Identifiers: ClinVar variation 3360539 (VCV003360539.1).